The following is an entry in ClinVar:

ClinVar aggregate classification (germline): Likely pathogenic (1 of 4 stars; one submission).

Submission:

Centre of Medical Genetics, University Hospital Muenster
Classification: Likely pathogenic. Last evaluated: 2022-12-02. Review status: criteria provided, single submitter. Criteria: ACMG Guidelines, 2015. Collection method: clinical testing. Allele origin: unknown. Affected: yes. Observed: 1 variant allele, 1 heterozygote.
Comment: ACMG categories: PVS1,PM2

NM_138615.3(DHX30):c.2929+2T>C

Gene: DHX30 (DExH-box helicase 30; plus strand). Cytogenetic location: 3p21.31.
Variant type: single nucleotide variant.
Coding change: c.2929+2T>C on transcript NM_138615.3 (MANE Select); the canonical splice donor site of the intron after coding-DNA position 2929, T replaced by C.
Molecular consequence: splice donor variant.
Genome position (GRCh38, 1-based): chr3:47,849,081, T>C. VCF-style: chr3-47849081-T-C. GRCh37 (hg19) VCF-style: chr3-47890571-T-C.
Other names: c.2845+2T>C (NM_001330990.2); c.2812+2T>C (NM_014966.4).
Identifiers: ClinVar variation 2430361 (VCV002430361.2), dbSNP rs2549301563, ClinGen allele CA352592978.